The following is an entry in ClinVar:

NM_000077.5(CDKN2A):c.132C>G (p.Tyr44Ter)

Gene: CDKN2A (cyclin dependent kinase inhibitor 2A; minus strand). Cytogenetic location: 9p21.3.
Variant type: single nucleotide variant.
Coding change: c.132C>G on transcript NM_000077.5; coding-DNA position 132, C replaced by G.
Protein change: p.Tyr44Ter; replaces tyrosine 44 with a stop codon.
Molecular consequence: nonsense (on NM_000077.6). On other transcripts: intron variant (2).
Genome position (GRCh38, 1-based): chr9:21,974,696, G>C on the plus strand (C>G on the coding strand, the complement: CDKN2A is on the minus strand). VCF-style: chr9-21974696-G-C. GRCh37 (hg19) VCF-style: chr9-21974695-G-C.
Other names: c.132C>G, p.Tyr44Ter (NM_000077.6, NM_001195132.2, NM_058197.5); c.-3-3488C>G (NM_001363763.2); c.194-3488C>G (NM_058195.4); short protein forms Y44*.
Identifiers: ClinVar variation 483337 (VCV000483337.19), dbSNP rs1554656253, ClinGen allele CA373086506.
Genomic context (GRCh38, chr9:21,974,696, plus strand): 5'-TCGCCCGCCATCCCCTGCTCCCGCTGCAGACCCTCTACCCACCTGGATCGGCCTCCGACC[G>C]TAACTATTCGGTGCGTTGGGCAGCGCCCCCGCCTCCAGCAGCGCCCGCACCTCCTCTACC-3'

ClinVar aggregate classification (germline): Pathogenic. Review status: criteria provided, multiple submitters, no conflicts (2 of 4 stars). 5 submissions from 5 submitters: Pathogenic (5). Last evaluated 2025-08-14.

Conditions:
Melanoma-pancreatic cancer syndrome. Identifiers: Orphanet 404560, MedGen C1838547, MONDO:0011713, OMIM 606719. Disease mechanism: loss of function.
Familial melanoma. Also called: Hereditary melanoma; Hereditary cutaneous melanoma. Identifiers: Orphanet 618, MedGen C1512419, MONDO:0018961.
Hereditary cancer-predisposing syndrome. Also called: Tumor predisposition; Hereditary Cancer Syndrome; Neoplastic Syndromes, Hereditary; Hereditary neoplastic syndrome. Identifiers: Orphanet 140162, MedGen C0027672, MeSH D009386, MONDO:0015356.

Submissions (5):

Myriad Genetics, Inc.
Classification: Pathogenic for Melanoma-pancreatic cancer syndrome. Last evaluated: 2025-08-14. Review status: criteria provided, single submitter. Criteria: Myriad Autosomal Dominant, Autosomal Recessive and X-Linked Classification Criteria (2023). Collection method: clinical testing. Allele origin: unknown.
Comment: This variant is considered pathogenic. This variant creates a termination codon and is predicted to result in premature protein truncation.

Ambry Genetics
Classification: Pathogenic for Hereditary cancer-predisposing syndrome. Last evaluated: 2025-08-01. Review status: criteria provided, single submitter. Criteria: Ambry Variant Classification Scheme 2023. Collection method: clinical testing. Allele origin: germline.
Comment: The p.Y44* pathogenic mutation (also known as c.132C>G), located in coding exon 1 of the CDKN2A gene, results from a C to G substitution at nucleotide position 132. This changes the amino acid from a tyrosine to a stop codon within coding exon 1. A different nucleotide substitution (c.132C>A) resulting in the same stop codon (p.Y44*) was identified in several melanoma families (MacKie RM et al. J. Invest. Dermatol. 1998 Aug;111(2):269-72; Begg CB et al. J. Natl. Cancer Inst. 2005 Oct;97(20):1507-15). Another alteration (c.131_132insAA) also resulting in the same stop codon (p.Y44*) was reported in a patient with multiple primary cutaneous melanomas (de Snoo FA et al. J. Am. Acad. Dermatol. 2007 May;56(5):748-52). This variant is considered to be rare based on population cohorts in the Genome Aggregation Database (gnomAD). In addition to the clinical data presented in the literature, this alteration is expected to result in loss of function by premature protein truncation or nonsense-mediated mRNA decay. As such, this alteration is interpreted as a disease-causing mutation.

Labcorp Genetics (formerly Invitae), Labcorp
Classification: Pathogenic for Familial melanoma. Last evaluated: 2024-04-01. Review status: criteria provided, single submitter. Criteria: Invitae Variant Classification Sherloc (09022015). Collection method: clinical testing. Allele origin: germline.
Comment: This sequence change creates a premature translational stop signal (p.Tyr44*) in the CDKN2A (p16INK4a) gene. It is expected to result in an absent or disrupted protein product. Loss-of-function variants in CDKN2A (p16INK4a) are known to be pathogenic (PMID: 15146471, 16905682). This variant is not present in population databases (gnomAD no frequency). This premature translational stop signal has been observed in individual(s) with melanoma (PMID: 9699728, 16234564, 17276542, 29661971). ClinVar contains an entry for this variant (Variation ID: 483337). Algorithms developed to predict the effect of sequence changes on RNA splicing suggest that this variant may disrupt the consensus splice site. For these reasons, this variant has been classified as Pathogenic.

Clinical Genetics Laboratory, Skane University Hospital Lund
Classification: Pathogenic. Last evaluated: 2023-03-31. Review status: criteria provided, single submitter. Criteria: ACMG Guidelines, 2015. Collection method: clinical testing. Allele origin: germline. Affected: yes.

Color Diagnostics, LLC DBA Color Health
Classification: Pathogenic for Hereditary cancer-predisposing syndrome. Last evaluated: 2017-08-04. Review status: criteria provided, single submitter. Criteria: ACMG Guidelines, 2015. Collection method: clinical testing. Allele origin: germline.

Literature cited by the submitters: PubMed 16234564 (cited by Ambry Genetics and Labcorp Genetics (formerly Invitae), Labcorp); PubMed 17276542 (cited by Ambry Genetics and Labcorp Genetics (formerly Invitae), Labcorp); PubMed 9699728 (cited by Ambry Genetics and Labcorp Genetics (formerly Invitae), Labcorp); PubMed 15146471 (cited by Labcorp Genetics (formerly Invitae), Labcorp); PubMed 16905682 (cited by Labcorp Genetics (formerly Invitae), Labcorp); PubMed 29661971 (cited by Labcorp Genetics (formerly Invitae), Labcorp).